The following is an entry in ClinVar:

ClinVar aggregate classification (germline): Uncertain significance. Review status: criteria provided, multiple submitters, no conflicts (2 of 4 stars). 2 submissions from 2 submitters: Uncertain significance (2). Last evaluated 2024-10-29.

Allele frequency attached by ClinVar (database versions not stated): gnomAD exomes below 0.00001 and 0.00001; TOPMed below 0.00001; ExAC 0.00002.

Submissions (2):

Labcorp Genetics (formerly Invitae), Labcorp
Classification: Uncertain significance. Last evaluated: 2024-10-29. Review status: criteria provided, single submitter. Criteria: Invitae Variant Classification Sherloc (09022015). Collection method: clinical testing. Allele origin: germline.
Comment: This sequence change replaces glutamic acid, which is acidic and polar, with lysine, which is basic and polar, at codon 1953 of the GPR179 protein (p.Glu1953Lys). This variant is present in population databases (rs764747534, gnomAD 0.002%). This variant has not been reported in the literature in individuals affected with GPR179-related conditions. ClinVar contains an entry for this variant (Variation ID: 1477439). An algorithm developed to predict the effect of missense changes on protein structure and function outputs the following: PolyPhen-2: "Benign". The lysine amino acid residue is found in multiple mammalian species, which suggests that this missense change does not adversely affect protein function. In summary, the available evidence is currently insufficient to determine the role of this variant in disease. Therefore, it has been classified as a Variant of Uncertain Significance.

Blueprint Genetics
Classification: Uncertain significance. Last evaluated: 2019-03-01. Review status: criteria provided, single submitter. Criteria: ACMG Guidelines, 2015. Collection method: clinical testing. Allele origin: germline.

NM_001004334.4(GPR179):c.5857G>A (p.Glu1953Lys)

Gene: GPR179 (G protein-coupled receptor 179; minus strand). Cytogenetic location: 17q12.
Variant type: single nucleotide variant.
Coding change: c.5857G>A on transcript NM_001004334.4 (MANE Select); coding-DNA position 5857, G replaced by A.
Protein change: p.Glu1953Lys; replaces glutamic acid 1953 with lysine.
Molecular consequence: missense variant.
Genome position (GRCh38, 1-based): chr17:38,327,712, C>T on the plus strand (G>A on the coding strand, the complement: GPR179 is on the minus strand). VCF-style: chr17-38327712-C-T. GRCh37 (hg19) VCF-style: chr17-36483595-C-T.
Other names: short protein forms E1953K.
Identifiers: ClinVar variation 1477439 (VCV001477439.7), dbSNP rs764747534, ClinGen allele CA290103278.
Genomic context (GRCh38, chr17:38,327,712, plus strand): 5'-CTAGGTGAGAGACGGAATCTGCTGGGGCAGTGGTCTCCCATGGACAGACGGATTGTAGCT[C>T]ATGGCTTGTTTTTTCCCCATCTTCAGTAGTGAATTCTTCTGTGTCTGCAGCTGGAGCTTT-3'
Protein context (NP_001004334.3, residues 1943-1963): TTEDGEKTSH[Glu1953Lys]LQSVCPWETT